The following is an entry in ClinVar:

ClinVar aggregate classification (germline): Uncertain significance (1 of 4 stars; one submission).

Conditions:
Shukla-Vernon syndrome. Identifiers: MedGen C5193146, MONDO:0026727, OMIM 301029.

gnomAD v4.1: 1 of 1,210,904 alleles (0.000083%); highest among the groups gnomAD compares: Non-Finnish European, 0.00011%; no homozygotes.

Submission:

Clinical Genomics Laboratory, Washington University in St. Louis
Classification: Uncertain significance for Shukla-Vernon syndrome. Last evaluated: 2026-02-11. Review status: criteria provided, single submitter. Criteria: ACMG Guidelines, 2015. Collection method: clinical testing. Allele origin: germline.
Comment: The BCORL1 c.108G>C (p.Glu36Asp) variant, to our knowledge, has not been reported in the medical literature. This variant is absent from the general population (gnomAD v2.1.1), indicating it is not a common variant. Computational predictors suggest that the variant does not impact BCORL1 function. Due to limited information, the clinical significance of this variant is uncertain.

NM_001379451.1(BCORL1):c.108G>C (p.Glu36Asp)

Gene: BCORL1 (BCL6 corepressor like 1; plus strand). Cytogenetic location: Xq26.1.
Variant type: single nucleotide variant.
Coding change: c.108G>C on transcript NM_001379451.1 (MANE Select); coding-DNA position 108, G replaced by C.
Protein change: p.Glu36Asp; replaces glutamic acid 36 with aspartic acid.
Molecular consequence: missense variant.
Genome position (GRCh38, 1-based): chrX:130,012,599, G>C. VCF-style: chrX-130012599-G-C. GRCh37 (hg19) VCF-style: chrX-129146575-G-C.
Other names: c.108G>C, p.Glu36Asp (NM_001184772.3, NM_001379450.1, NM_001441326.1 and 7 more transcripts); short protein forms E36D.
Identifiers: ClinVar variation 4879231 (VCV004879231.1).